The following is an entry in ClinVar:

ClinVar aggregate classification (germline): Pathogenic (1 of 4 stars; one submission).

Conditions:
Hyperekplexia 3 (HKPX3). Also called: HYPEREKPLEXIA 3, AUTOSOMAL RECESSIVE; HYPEREKPLEXIA 3, AUTOSOMAL DOMINANT. Identifiers: Orphanet 3197, MedGen C3553288, MONDO:0013827, OMIM 614618.

Submission:

Labcorp Genetics (formerly Invitae), Labcorp
Classification: Pathogenic for Hyperekplexia 3. Last evaluated: 2021-11-24. Review status: criteria provided, single submitter. Criteria: Invitae Variant Classification Sherloc (09022015). Collection method: clinical testing. Allele origin: germline.
Comment: For these reasons, this variant has been classified as Pathogenic. This variant has not been reported in the literature in individuals affected with SLC6A5-related conditions. This variant results in the deletion of exon 1 and part of exon 2 (c.-8750_207del) of the SLC6A5 gene. It is expected to result in an absent or disrupted protein product. Loss-of-function variants in SLC6A5 are known to be pathogenic (PMID: 14622583, 16751771, 22700964).

Literature cited by the submitters: PubMed 14622583; PubMed 16751771; PubMed 22700964.

NC_000011.9:g.(?_20612464)_(20622873_?)del

Gene: SLC6A5 (solute carrier family 6 member 5; plus strand). Cytogenetic location: 11p15.1.
Variant type: Deletion.
Identifiers: ClinVar variation 2425045 (VCV002425045.4).